The following is an entry in ClinVar:

NM_014363.6(SACS):c.6343C>T (p.His2115Tyr)

Gene: SACS (sacsin molecular chaperone; minus strand). Cytogenetic location: 13q12.12.
Variant type: single nucleotide variant.
Coding change: c.6343C>T on transcript NM_014363.6 (MANE Select); coding-DNA position 6343, C replaced by T.
Protein change: p.His2115Tyr; replaces histidine 2115 with tyrosine.
Molecular consequence: missense variant.
Genome position (GRCh38, 1-based): chr13:23,337,533, G>A on the plus strand (C>T on the coding strand, the complement: SACS is on the minus strand). VCF-style: chr13-23337533-G-A. GRCh37 (hg19) VCF-style: chr13-23911672-G-A.
Other names: c.5902C>T, p.His1968Tyr (NM_001278055.2); short protein forms H2115Y, H1968Y.
Identifiers: ClinVar variation 458268 (VCV000458268.12), dbSNP rs757161092, ClinGen allele CA6911100.

ClinVar aggregate classification (germline): Uncertain significance. Review status: criteria provided, multiple submitters, no conflicts (2 of 4 stars). 3 submissions from 3 submitters: Uncertain significance (3). Last evaluated 2022-07-19.

Conditions:
Charlevoix-Saguenay spastic ataxia (SACS). Also called: SPASTIC ATAXIA 6, AUTOSOMAL RECESSIVE; Spastic ataxia of Charlevoix-Saguenay; AUTOSOMAL RECESSIVE SPASTIC ATAXIA OF CHARLEVOIX-SAGUENAY. Identifiers: Orphanet 98, MedGen C1849140, MONDO:0010041, OMIM 270550.
Spastic paraplegia. Identifiers: MedGen C0037772, HP:0001258.

Allele frequency attached by ClinVar (database versions not stated): TOPMed below 0.00001; ExAC 0.00001; gnomAD exomes 0.00001.

Submissions (3):

Labcorp Genetics (formerly Invitae), Labcorp
Classification: Uncertain significance for Spastic paraplegia. Last evaluated: 2022-07-19. Review status: criteria provided, single submitter. Criteria: Invitae Variant Classification Sherloc (09022015). Collection method: clinical testing. Allele origin: germline.
Comment: This sequence change replaces histidine, which is basic and polar, with tyrosine, which is neutral and polar, at codon 2115 of the SACS protein (p.His2115Tyr). This variant is present in population databases (rs757161092, gnomAD 0.0009%). This variant has not been reported in the literature in individuals affected with SACS-related conditions. ClinVar contains an entry for this variant (Variation ID: 458268). Algorithms developed to predict the effect of missense changes on protein structure and function are either unavailable or do not agree on the potential impact of this missense change (SIFT: "Deleterious"; PolyPhen-2: "Probably Damaging"; Align-GVGD: "Class C0"). In summary, the available evidence is currently insufficient to determine the role of this variant in disease. Therefore, it has been classified as a Variant of Uncertain Significance.

Genome-Nilou Lab
Classification: Uncertain significance for Charlevoix-Saguenay spastic ataxia. Last evaluated: 2021-09-05. Review status: criteria provided, single submitter. Criteria: ACMG Guidelines, 2015. Collection method: clinical testing. Allele origin: germline. Affected: no.

Mayo Clinic Laboratories, Mayo Clinic
Classification: Uncertain significance. Last evaluated: 2020-02-12. Review status: criteria provided, single submitter. Criteria: ACMG Guidelines, 2015. Collection method: clinical testing. Allele origin: germline. Observed: 1 variant allele.